The following is an entry in ClinVar:

ClinVar aggregate classification (germline): Likely pathogenic (1 of 4 stars; one submission).

Conditions:
Vitamin D-dependent rickets, type 1A. Also called: VITAMIN D HYDROXYLATION-DEFICIENT RICKETS, TYPE 1A; PDDR IA; PSEUDOVITAMIN D-DEFICIENCY RICKETS, TYPE IA. Identifiers: MedGen CN283242, MONDO:0020723, OMIM 264700.

gnomAD v4.1: 1 of 1,613,284 alleles (0.000062%); highest among the groups gnomAD compares: Non-Finnish European, 0.000085%; no homozygotes.

Submission:

Women's Health and Genetics/Laboratory Corporation of America, LabCorp
Classification: Likely pathogenic for Vitamin D-dependent rickets, type 1A. Last evaluated: 2024-07-03. Review status: criteria provided, single submitter. Criteria: LabCorp Variant Classification Summary - May 2015. Collection method: clinical testing. Allele origin: germline.
Comment: Variant summary: CYP27B1 c.490G>A (p.Asp164Asn) results in a conservative amino acid change in the encoded protein sequence. Four of five in-silico tools predict a damaging effect of the variant on protein function. The variant was absent in 246092 control chromosomes. c.490G>A has been reported in the literature in at least one homozygous individual affected with Vitamin D-dependent rickets (Kitanaka_1999). These data indicate that the variant may be associated with disease. At least one publication reports experimental evidence evaluating an impact on protein function. The most pronounced variant effect results in <10% of normal 1-alpha-hydroxylase activity (e.g. Kitanaka_1999, Sawada_2001). The following publications have been ascertained in the context of this evaluation (PMID: 10566658, 11737215). No submitters have cited clinical-significance assessments for this variant to ClinVar. Based on the evidence outlined above, the variant was classified as likely pathogenic.

Literature cited by the submitters: PubMed 10566658; PubMed 11737215.

NM_000785.4(CYP27B1):c.490G>A (p.Asp164Asn)

Gene: CYP27B1 (cytochrome P450 family 27 subfamily B member 1; minus strand). Cytogenetic location: 12q14.1.
Variant type: single nucleotide variant.
Coding change: c.490G>A on transcript NM_000785.4 (MANE Select); coding-DNA position 490, G replaced by A.
Protein change: p.Asp164Asn; replaces aspartic acid 164 with asparagine.
Molecular consequence: missense variant.
Genome position (GRCh38, 1-based): chr12:57,765,396, C>T on the plus strand (G>A on the coding strand, the complement: CYP27B1 is on the minus strand). VCF-style: chr12-57765396-C-T. GRCh37 (hg19) VCF-style: chr12-58159179-C-T.
Other names: short protein forms D164N.
Identifiers: ClinVar variation 3339156 (VCV003339156.1).